The following is an entry in ClinVar:

ClinVar aggregate classification (germline): Uncertain significance (1 of 4 stars; one submission).

gnomAD v4.1: 3 of 1,610,542 alleles (0.00019%); highest among the groups gnomAD compares: Non-Finnish European, 0.00025%; no homozygotes.

Submission:

Labcorp Genetics (formerly Invitae), Labcorp
Classification: Uncertain significance. Last evaluated: 2023-02-22. Review status: criteria provided, single submitter. Criteria: Invitae Variant Classification Sherloc (09022015). Collection method: clinical testing. Allele origin: germline.
Comment: This variant is not present in population databases (gnomAD no frequency). This sequence change replaces histidine, which is basic and polar, with tyrosine, which is neutral and polar, at codon 1053 of the ALPK1 protein (p.His1053Tyr). This variant has not been reported in the literature in individuals affected with ALPK1-related conditions. In summary, the available evidence is currently insufficient to determine the role of this variant in disease. Therefore, it has been classified as a Variant of Uncertain Significance. Advanced modeling of protein sequence and biophysical properties (such as structural, functional, and spatial information, amino acid conservation, physicochemical variation, residue mobility, and thermodynamic stability) performed at Invitae indicates that this missense variant is expected to disrupt ALPK1 protein function.

NM_025144.4(ALPK1):c.3157C>T (p.His1053Tyr)

Gene: ALPK1 (alpha kinase 1; plus strand). Cytogenetic location: 4q25.
Variant type: single nucleotide variant.
Coding change: c.3157C>T on transcript NM_025144.4 (MANE Select); coding-DNA position 3157, C replaced by T.
Protein change: p.His1053Tyr; replaces histidine 1053 with tyrosine.
Molecular consequence: missense variant.
Genome position (GRCh38, 1-based): chr4:112,435,270, C>T. VCF-style: chr4-112435270-C-T. GRCh37 (hg19) VCF-style: chr4-113356426-C-T.
Other names: c.3157C>T, p.His1053Tyr (NM_001102406.2); c.2923C>T, p.His975Tyr (NM_001253884.2); short protein forms H1053Y, H975Y.
Identifiers: ClinVar variation 2840048 (VCV002840048.3), dbSNP rs2476512011, ClinGen allele CA357904616.